The following is an entry in ClinVar:

ClinVar aggregate classification (germline): Uncertain significance. Review status: criteria provided, multiple submitters, no conflicts (2 of 4 stars). 3 submissions from 3 submitters: Uncertain significance (3). Last evaluated 2025-10-13.

Conditions:
Inborn genetic diseases. Identifiers: MedGen C0950123, MeSH D030342.

gnomAD v4.1: 90 of 1,607,482 alleles (0.0056%); highest among the groups gnomAD compares: Admixed American, 0.0084%; no homozygotes.

Submissions (3):

Mayo Clinic Laboratories, Mayo Clinic
Classification: Uncertain significance. Last evaluated: 2025-10-13. Review status: criteria provided, single submitter. Criteria: ACMG Guidelines, 2015. Collection method: clinical testing. Allele origin: germline. Observed: 1 variant allele.
Comment: PM2_supporting

Ambry Genetics
Classification: Uncertain significance for Inborn genetic diseases. Last evaluated: 2025-03-26. Review status: criteria provided, single submitter. Criteria: Ambry Variant Classification Scheme 2023. Collection method: clinical testing. Allele origin: germline.

GeneDx
Classification: Uncertain significance. Last evaluated: 2023-06-14. Review status: criteria provided, single submitter. Criteria: GeneDx Variant Classification Process June 2021. Collection method: clinical testing. Allele origin: germline. Affected: yes.
Comment: In silico analysis supports that this missense variant has a deleterious effect on protein structure/function; Has not been previously published as pathogenic or benign to our knowledge

NM_005560.6(LAMA5):c.2606C>T (p.Pro869Leu)

Gene: LAMA5 (laminin subunit alpha 5; minus strand). Cytogenetic location: 20q13.33.
Variant type: single nucleotide variant.
Coding change: c.2606C>T on transcript NM_005560.6 (MANE Select); coding-DNA position 2606, C replaced by T.
Protein change: p.Pro869Leu; replaces proline 869 with leucine.
Molecular consequence: missense variant.
Genome position (GRCh38, 1-based): chr20:62,334,319, G>A on the plus strand (C>T on the coding strand, the complement: LAMA5 is on the minus strand). VCF-style: chr20-62334319-G-A. GRCh37 (hg19) VCF-style: chr20-60909375-G-A.
Other names: p.Pro869Leu; short protein forms P869L.
Identifiers: ClinVar variation 3359773 (VCV003359773.3).
Genomic context (GRCh38, chr20:62,334,319, plus strand): 5'-ACGGCGTGACCCTCAGGTGTGGCAGCCTCCTCCAGCTCCAGGCGCAGGTGGTGCAGGTCC[G>A]GGAGGTAGTGGTCCCTCGCAGGCCTGGCCACAGCAGGGGCTGGTCAGGTGCAGCTTGGCC-3'
Protein context (NP_005551.3, residues 859-879): CSEPARDHYL[Pro869Leu]DLHHLRLELE